The following is an entry in ClinVar:

ClinVar aggregate classification (germline): Likely benign. Review status: criteria provided, multiple submitters, no conflicts (2 of 4 stars). 3 submissions from 3 submitters: Likely benign (2). 1 of the submissions does not count toward it. Last evaluated 2025-12-24.

Conditions:
MYSM1-related disorder. Also called: MYSM1-related condition.

Allele frequency attached by ClinVar (database versions not stated): ExAC 0.00004; gnomAD exomes 0.00004 and 0.00006; gnomAD 0.00005; TOPMed 0.00005; ESP Exome Variant Server 0.00017.
gnomAD v4.1: 99 of 1,609,700 alleles (0.0062%); highest among the groups gnomAD compares: Non-Finnish European, 0.0082%; no homozygotes.

Submissions (3):

Labcorp Genetics (formerly Invitae), Labcorp
Classification: Likely benign. Last evaluated: 2025-12-24. Review status: criteria provided, single submitter. Criteria: Invitae Variant Classification Sherloc (09022015). Collection method: clinical testing. Allele origin: germline.

Breakthrough Genomics
Classification: Likely benign. Review status: criteria provided, single submitter. Criteria: ACMG Guidelines, 2015. Collection method: not provided. Allele origin: germline. Inheritance: Autosomal recessive inheritance. Affected: yes.

PreventionGenetics, part of Exact Sciences
Classification: Likely benign for MYSM1-related condition. Last evaluated: 2023-07-06. Review status: no assertion criteria provided. Collection method: clinical testing. Allele origin: germline. Not counted in ClinVar's aggregate classification.
Comment: This variant is classified as likely benign based on ACMG/AMP sequence variant interpretation guidelines (Richards et al. 2015 PMID: 25741868, with internal and published modifications).

NM_001085487.3(MYSM1):c.1203C>T (p.Arg401=)

Gene: MYSM1 (Myb like, SWIRM and MPN domains 1; minus strand). Cytogenetic location: 1p32.1.
Variant type: single nucleotide variant.
Coding change: c.1203C>T on transcript NM_001085487.3 (MANE Select); coding-DNA position 1203, C replaced by T.
Protein change: p.Arg401=; no amino-acid change (arginine 401 retained).
Molecular consequence: synonymous variant.
Genome position (GRCh38, 1-based): chr1:58,681,841, G>A on the plus strand (C>T on the coding strand, the complement: MYSM1 is on the minus strand). VCF-style: chr1-58681841-G-A. GRCh37 (hg19) VCF-style: chr1-59147513-G-A.
Other names: c.1203C>T (NM_001085487.2).
Identifiers: ClinVar variation 1115747 (VCV001115747.12), dbSNP rs371918367, ClinGen allele CA877895.